The following is an entry in ClinVar:

ClinVar aggregate classification (germline): Pathogenic (1 of 4 stars; one submission).

Submission:

Labcorp Genetics (formerly Invitae), Labcorp
Classification: Pathogenic. Last evaluated: 2024-07-06. Review status: criteria provided, single submitter. Criteria: Invitae Variant Classification Sherloc (09022015). Collection method: clinical testing. Allele origin: germline.
Comment: This sequence change creates a premature translational stop signal (p.Ala853Valfs*5) in the PCNT gene. It is expected to result in an absent or disrupted protein product. Loss-of-function variants in PCNT are known to be pathogenic (PMID: 18174396, 22821869). This variant is not present in population databases (gnomAD no frequency). This variant has not been reported in the literature in individuals affected with PCNT-related conditions. For these reasons, this variant has been classified as Pathogenic.

Literature cited by the submitters: PubMed 18174396; PubMed 22821869.

NM_006031.6(PCNT):c.2555_2556insCG (p.Ala853fs)

Gene: PCNT (pericentrin; plus strand). Cytogenetic location: 21q22.3.
Variant type: Insertion.
Coding change: c.2555_2556insCG on transcript NM_006031.6 (MANE Select); coding-DNA positions 2555 to 2556, CG inserted.
Protein change: p.Ala853fs; shifts the reading frame from alanine 853.
Molecular consequence: frameshift variant.
Genome position: GRCh38 VCF-style: chr21-46363880-C-CCG. GRCh37 (hg19) VCF-style: chr21-47783795-C-CCG.
Other names: c.2201_2202insCG, p.Ala735fs (NM_001315529.2); short protein forms A853fs, A735fs.
Identifiers: ClinVar variation 3658951 (VCV003658951.2).